The following is an entry in ClinVar:

NM_020686.6(ABAT):c.816+7C>A

Gene: ABAT (4-aminobutyrate aminotransferase; plus strand). Cytogenetic location: 16p13.2.
Variant type: single nucleotide variant.
Coding change: c.816+7C>A on transcript NM_020686.6 (MANE Select); 7 bases into the intron after coding-DNA position 816, C replaced by A.
Molecular consequence: intron variant.
Genome position (GRCh38, 1-based): chr16:8,768,980, C>A. VCF-style: chr16-8768980-C-A. GRCh37 (hg19) VCF-style: chr16-8862837-C-A.
Other names: c.816+7C>A (NM_001386602.1, NM_001386609.1, NM_001386605.1 and 7 more transcripts); c.912+7C>A (NM_001386615.1); c.753+7C>A (NM_001386607.1, NM_001386606.1); c.723+7C>A (NM_001386608.1); c.681+7C>A (NM_001386610.1, NM_001386611.1); c.570+7C>A (NM_001386614.1); c.618+7C>A (NM_001386612.1, NM_001386613.1).
Identifiers: ClinVar variation 193919 (VCV000193919.22), dbSNP rs376046736, ClinGen allele CA200850.

ClinVar aggregate classification (germline): Benign/Likely benign. Review status: criteria provided, multiple submitters, no conflicts (2 of 4 stars). 5 submissions from 5 submitters: Benign (4); Likely benign (1). Last evaluated 2026-02-03.

Conditions:
Gamma-aminobutyric acid transaminase deficiency (GABATD). Also called: GABA transaminase deficiency; Gamma aminobutyrate transaminase deficiency; 4 alpha aminobutyrate transaminase deficiency; GABA aminotransaminase deficiency. Identifiers: Orphanet 2066, MedGen C0342708, MONDO:0013166, OMIM 613163.

Allele frequency attached by ClinVar (database versions not stated): gnomAD exomes 0.00027; 1000 Genomes Project 0.00280; 1000 Genomes Project 30x 0.00281; gnomAD 0.00313 and 0.00332; ESP Exome Variant Server 0.00323; TOPMed 0.00332.
gnomAD v4.1: 897 of 1,614,078 alleles (0.056%); highest among the groups gnomAD compares: African/African-American, 1.1%; 3 homozygotes.

Submissions (5):

Labcorp Genetics (formerly Invitae), Labcorp
Classification: Benign for Gamma-aminobutyric acid transaminase deficiency. Last evaluated: 2026-02-03. Review status: criteria provided, single submitter. Criteria: Invitae Variant Classification Sherloc (09022015). Collection method: clinical testing. Allele origin: germline.

Athena Diagnostics
Classification: Benign. Last evaluated: 2024-11-15. Review status: criteria provided, single submitter. Criteria: Athena Diagnostics Criteria. Collection method: clinical testing. Allele origin: unknown.

Blueprint Genetics
Classification: Likely benign. Last evaluated: 2024-03-18. Review status: criteria provided, single submitter. Criteria: ACMG Guidelines, 2015. Collection method: clinical testing. Allele origin: germline.

Illumina Laboratory Services, Illumina
Classification: Benign for Gamma-aminobutyric acid transaminase deficiency. Last evaluated: 2018-01-12. Review status: criteria provided, single submitter. Criteria: ICSL Variant Classification Criteria 13 December 2019. Collection method: clinical testing. Allele origin: germline.
Comment: This variant was observed in the ICSL laboratory as part of a predisposition screen in an ostensibly healthy population. It had not been previously curated by ICSL or reported in the Human Gene Mutation Database (HGMD: prior to June 1st, 2018), and was therefore a candidate for classification through an automated scoring system. Utilizing variant allele frequency, disease prevalence and penetrance estimates, and inheritance mode, an automated score was calculated to assess if this variant is too frequent to cause the disease. Based on the score and internal cut-off values, a variant classified as benign is not then subjected to further curation. The score for this variant resulted in a classification of benign for this disease.

Eurofins Ntd Llc (ga)
Classification: Benign. Last evaluated: 2015-06-05. Review status: criteria provided, single submitter. Criteria: EGL Classification Definitions 2015. Collection method: clinical testing. Allele origin: germline. Observed: 1 variant allele, 1 heterozygote.